The following is an entry in ClinVar:

NC_000007.13:g.(?_6016710)_(6017308_?)del

Gene: PMS2 (PMS1 homolog 2, mismatch repair system component; minus strand). Cytogenetic location: 7p22.1.
Variant type: Deletion.
Identifiers: ClinVar variation 3245660 (VCV003245660.1).

ClinVar aggregate classification (germline): Pathogenic (1 of 4 stars; one submission).

Conditions:
Hereditary nonpolyposis colorectal neoplasms. Identifiers: MedGen C0009405, MeSH D003123.

Submission:

Labcorp Genetics (formerly Invitae), Labcorp
Classification: Pathogenic for Hereditary nonpolyposis colorectal neoplasms. Last evaluated: 2018-02-17. Review status: criteria provided, single submitter. Criteria: Invitae Variant Classification Sherloc (09022015). Collection method: clinical testing. Allele origin: unknown.
Comment: This sequence change is a partial deletion of the region encompassing exon 14 in the PMS2 gene (c.2357_2445+510del), creating a premature translational stop signal (p.Leu786Argfs*8). It is expected to result in an absent or disrupted protein product. This variant has not been reported in the literature in individuals with PMS2-related disease. Loss-of-function variants in PMS2 are known to be pathogenic (PMID: 21376568, 24362816). For these reasons, this variant has been classified as Pathogenic.

Literature cited by the submitters: PubMed 21376568; PubMed 24362816.